The following is an entry in ClinVar:

ClinVar aggregate classification (germline): Uncertain significance. Review status: criteria provided, multiple submitters, no conflicts (2 of 4 stars). 2 submissions from 2 submitters: Uncertain significance (2). Last evaluated 2026-01-18.

Conditions:
Inborn genetic diseases. Identifiers: MedGen C0950123, MeSH D030342.
Epidermolysis bullosa simplex 5B, with muscular dystrophy (EBS5B). Also called: Epidermolysis bullosa simplex with muscular dystrophy; EPIDERMOLYSIS BULLOSA SIMPLEX AND LIMB-GIRDLE MUSCULAR DYSTROPHY. Identifiers: Orphanet 257, MedGen C2931072, MONDO:0009181, OMIM 226670.
Epidermolysis bullosa simplex, Ogna type (EBS5A). Also called: Pidermolysis bullosa simplex 5A, Ogna type; EPIDERMOLYSIS BULLOSA SIMPLEX 5A, OGNA TYPE. Identifiers: Orphanet 79401, MedGen C0432317, MONDO:0007555, OMIM 131950.
Epidermolysis bullosa simplex 5C, with pyloric atresia (EBS5C). Also called: PLEC-Related Epidermolysis Bullosa with Pyloric Atresia; Epidermolysis bullosa simplex with pyloric atresia; PLEC1-Related Epidermolysis Bullosa with Pyloric Atresia. Identifiers: Orphanet 158684, MedGen C2677349, MONDO:0012807, OMIM 612138.
Autosomal recessive limb-girdle muscular dystrophy type 2Q (LGMDR17). Also called: MUSCULAR DYSTROPHY, LIMB-GIRDLE, AUTOSOMAL RECESSIVE 17. Identifiers: Orphanet 254361, MedGen C3150989, MONDO:0013390, OMIM 613723.
Epidermolysis bullosa simplex with nail dystrophy (EBS5D). Identifiers: MedGen C4225309, MONDO:0014661, OMIM 616487.

gnomAD v4.1: 31 of 1,578,974 alleles (0.002%); highest among the groups gnomAD compares: Admixed American, 0.0035%; no homozygotes.

Submissions (2):

Labcorp Genetics (formerly Invitae), Labcorp
Classification: Uncertain significance for Autosomal recessive limb-girdle muscular dystrophy type 2Q; Epidermolysis bullosa simplex, Ogna type; Epidermolysis bullosa simplex with nail dystrophy; Epidermolysis bullosa simplex 5C, with pyloric atresia; Epidermolysis bullosa simplex 5B, with muscular dystrophy. Last evaluated: 2026-01-18. Review status: criteria provided, single submitter. Criteria: Invitae Variant Classification Sherloc (09022015). Collection method: clinical testing. Allele origin: germline.
Comment: This sequence change replaces alanine, which is neutral and non-polar, with threonine, which is neutral and polar, at codon 2070 of the PLEC protein (p.Ala2070Thr). The frequency data for this variant in the population databases is considered unreliable, as metrics indicate poor data quality at this position in the gnomAD database. This variant has not been reported in the literature in individuals affected with PLEC-related conditions. ClinVar contains an entry for this variant (Variation ID: 1007672). An algorithm developed to predict the effect of missense changes on protein structure and function (PolyPhen-2) suggests that this variant is likely to be tolerated. In summary, the available evidence is currently insufficient to determine the role of this variant in disease. Therefore, it has been classified as a Variant of Uncertain Significance.

Ambry Genetics
Classification: Uncertain significance for Inborn genetic diseases. Last evaluated: 2025-09-27. Review status: criteria provided, single submitter. Criteria: Ambry Variant Classification Scheme 2023. Collection method: clinical testing. Allele origin: germline.

NM_201384.3(PLEC):c.6127G>A (p.Ala2043Thr)

Gene: PLEC (plectin; minus strand). Cytogenetic location: 8q24.3.
Variant type: single nucleotide variant.
Coding change: c.6127G>A on transcript NM_201384.3 (MANE Select); coding-DNA position 6127, G replaced by A.
Protein change: p.Ala2043Thr; replaces alanine 2043 with threonine.
Molecular consequence: missense variant.
Genome position (GRCh38, 1-based): chr8:143,923,802, C>T on the plus strand (G>A on the coding strand, the complement: PLEC is on the minus strand). VCF-style: chr8-143923802-C-T. GRCh37 (hg19) VCF-style: chr8-144997970-C-T.
Other names: c.6208G>A, p.Ala2070Thr (NM_000445.5); c.6085G>A, p.Ala2029Thr (NM_201378.4); c.6061G>A, p.Ala2021Thr (NM_201379.3); c.6538G>A, p.Ala2180Thr (NM_201380.4); c.6031G>A, p.Ala2011Thr (NM_201381.3); c.6127G>A, p.Ala2043Thr (NM_201382.4); c.6139G>A, p.Ala2047Thr (NM_201383.3); c.6208G>A (NM_000445.3); short protein forms A2011T, A2021T, A2029T, A2043T, A2047T, A2070T, A2180T.
Identifiers: ClinVar variation 1007672 (VCV001007672.6), dbSNP rs370881215, ClinGen allele CA4926102.